The following is an entry in ClinVar:

ClinVar aggregate classification (germline): Likely pathogenic. Review status: criteria provided, multiple submitters, no conflicts (2 of 4 stars). 3 submissions from 3 submitters: Likely pathogenic (3). Last evaluated 2026-01-16.

Conditions:
Familial ovarian cancer. Identifiers: MedGen C5679802, MONDO:0016248.
Hereditary cancer-predisposing syndrome. Also called: Hereditary neoplastic syndrome; Tumor predisposition; Hereditary Cancer Syndrome; Neoplastic Syndromes, Hereditary. Identifiers: Orphanet 140162, MedGen C0027672, MeSH D009386, MONDO:0015356.
Familial cancer of breast. Also called: BREAST CANCER, FAMILIAL; Hereditary breast cancer; hereditary breast carcinoma. Identifiers: Orphanet 227535, MedGen C0346153, MONDO:0016419, OMIM 114480. Disease mechanism: loss of function.
Fanconi anemia complementation group J. Also called: BRIP1-Related Fanconi Anemia. Identifiers: Orphanet 84, MedGen C1836860, MONDO:0012187, OMIM 609054.

Submissions (3):

Myriad Genetics, Inc.
Classification: Likely pathogenic for Familial ovarian cancer. Last evaluated: 2026-01-16. Review status: criteria provided, single submitter. Criteria: Myriad Autosomal Dominant, Autosomal Recessive and X-Linked Classification Criteria (2023). Collection method: clinical testing. Allele origin: unknown.
Comment: This variant is considered likely pathogenic. This variant occurs within a consensus splice junction and is predicted to result in abnormal mRNA splicing of either an out-of-frame exon or an in-frame exon necessary for protein stability and/or normal function. mRNA analysis has demonstrated abnormal mRNA splicing occurs [Myriad internal data].

Labcorp Genetics (formerly Invitae), Labcorp
Classification: Likely pathogenic for Familial cancer of breast; Fanconi anemia complementation group J. Last evaluated: 2023-01-10. Review status: criteria provided, single submitter. Criteria: Invitae Variant Classification Sherloc (09022015). Collection method: clinical testing. Allele origin: germline.
Comment: In summary, the currently available evidence indicates that the variant is pathogenic, but additional data are needed to prove that conclusively. Therefore, this variant has been classified as Likely Pathogenic. Algorithms developed to predict the effect of sequence changes on RNA splicing suggest that this variant may disrupt the consensus splice site. ClinVar contains an entry for this variant (Variation ID: 820059). This variant has not been reported in the literature in individuals affected with BRIP1-related conditions. This variant is not present in population databases (gnomAD no frequency). This sequence change affects an acceptor splice site in intron 12 of the BRIP1 gene. It is expected to disrupt RNA splicing. Variants that disrupt the donor or acceptor splice site typically lead to a loss of protein function (PMID: 16199547), and loss-of-function variants in BRIP1 are known to be pathogenic (PMID: 16116423, 17033622, 21964575).

Ambry Genetics
Classification: Likely pathogenic for Hereditary cancer-predisposing syndrome. Last evaluated: 2019-09-23. Review status: criteria provided, single submitter. Criteria: Ambry Variant Classification Scheme 2023. Collection method: clinical testing. Allele origin: germline.
Comment: The c.1795-1G>A intronic variant results from a G to A substitution one nucleotide upstream from coding exon 12 of the BRIP1 gene. This nucleotide position is highly conserved in available vertebrate species. Using the BDGP and ESEfinder splice site prediction tools, this alteration is predicted to weaken the efficiency of the native splice acceptor site; however, direct evidence is unavailable. Alterations that disrupt the canonical splice site are expected to cause aberrant splicing, resulting in an abnormal protein or a transcript that is subject to nonsense-mediated mRNA decay. As such, this alteration is classified as likely pathogenic.

Literature cited by the submitters: PubMed 16199547 (cited by Labcorp Genetics (formerly Invitae), Labcorp); PubMed 16116423 (cited by Labcorp Genetics (formerly Invitae), Labcorp); PubMed 17033622 (cited by Labcorp Genetics (formerly Invitae), Labcorp); PubMed 21964575 (cited by Labcorp Genetics (formerly Invitae), Labcorp).

NM_032043.3(BRIP1):c.1795-1G>A

Gene: BRIP1 (BRCA1 interacting DNA helicase 1; minus strand). Cytogenetic location: 17q23.2.
Variant type: single nucleotide variant.
Coding change: c.1795-1G>A on transcript NM_032043.3 (MANE Select); the canonical splice acceptor site of the intron before coding-DNA position 1795, G replaced by A.
Molecular consequence: splice acceptor variant.
Genome position (GRCh38, 1-based): chr17:61,780,402, C>T on the plus strand (G>A on the coding strand, the complement: BRIP1 is on the minus strand). VCF-style: chr17-61780402-C-T. GRCh37 (hg19) VCF-style: chr17-59857763-C-T.
Identifiers: ClinVar variation 820059 (VCV000820059.10), dbSNP rs1368457771, ClinGen allele CA400480237.